The following is an entry in ClinVar:

NM_014017.4(LAMTOR2):c.355C>T (p.Leu119Phe)

Gene: LAMTOR2 (late endosomal/lysosomal adaptor, MAPK and MTOR activator 2; plus strand). Cytogenetic location: 1q22.
Variant type: single nucleotide variant.
Coding change: c.355C>T on transcript NM_014017.4 (MANE Select); coding-DNA position 355, C replaced by T.
Protein change: p.Leu119Phe; replaces leucine 119 with phenylalanine.
Molecular consequence: missense variant.
Genome position (GRCh38, 1-based): chr1:156,058,348, C>T. VCF-style: chr1-156058348-C-T. GRCh37 (hg19) VCF-style: chr1-156028139-C-T.
Other names: c.265C>T, p.Leu89Phe (NM_001145264.2); short protein forms L89F, L119F.
Identifiers: ClinVar variation 3117761 (VCV003117761.2), dbSNP rs1198283062, ClinGen allele CA342816540.

ClinVar aggregate classification (germline): Uncertain significance. Review status: criteria provided, multiple submitters, no conflicts (2 of 4 stars). 2 submissions from 2 submitters: Uncertain significance (2). Last evaluated 2025-05-21.

Allele frequency attached by ClinVar (database versions not stated): gnomAD exomes below 0.00001.
gnomAD v4.1: 2 of 1,614,092 alleles (0.00012%); highest among the groups gnomAD compares: Admixed American, 0.0033%; no homozygotes.

Submissions (2):

Labcorp Genetics (formerly Invitae), Labcorp
Classification: Uncertain significance. Last evaluated: 2025-05-21. Review status: criteria provided, single submitter. Criteria: Invitae Variant Classification Sherloc (09022015). Collection method: clinical testing. Allele origin: germline.
Comment: This sequence change replaces leucine, which is neutral and non-polar, with phenylalanine, which is neutral and non-polar, at codon 119 of the LAMTOR2 protein (p.Leu119Phe). This variant is present in population databases (no rsID available, gnomAD 0.006%). This variant has not been reported in the literature in individuals affected with LAMTOR2-related conditions. ClinVar contains an entry for this variant (Variation ID: 3117761). An algorithm developed to predict the effect of missense changes on protein structure and function (PolyPhen-2) suggests that this variant is likely to be tolerated. In summary, the available evidence is currently insufficient to determine the role of this variant in disease. Therefore, it has been classified as a Variant of Uncertain Significance.

Ambry Genetics
Classification: Uncertain significance. Last evaluated: 2024-01-04. Review status: criteria provided, single submitter. Criteria: Ambry Variant Classification Scheme 2023. Collection method: clinical testing. Allele origin: germline.